The following is an entry in ClinVar:

NM_001017420.3(ESCO2):c.1001T>G (p.Val334Gly)

Gene: ESCO2 (establishment of sister chromatid cohesion N-acetyltransferase 2; plus strand). Cytogenetic location: 8p21.1.
Variant type: single nucleotide variant.
Coding change: c.1001T>G on transcript NM_001017420.3 (MANE Select); coding-DNA position 1001, T replaced by G.
Protein change: p.Val334Gly; replaces valine 334 with glycine.
Molecular consequence: missense variant.
Genome position (GRCh38, 1-based): chr8:27,784,045, T>G. VCF-style: chr8-27784045-T-G. GRCh37 (hg19) VCF-style: chr8-27641562-T-G.
Other names: short protein forms V334G.
Identifiers: ClinVar variation 2116374 (VCV002116374.4), dbSNP rs1362710456, ClinGen allele CA370822200.

ClinVar aggregate classification (germline): Uncertain significance (1 of 4 stars; one submission).

Submission:

Labcorp Genetics (formerly Invitae), Labcorp
Classification: Uncertain significance. Last evaluated: 2022-03-24. Review status: criteria provided, single submitter. Criteria: Invitae Variant Classification Sherloc (09022015). Collection method: clinical testing. Allele origin: germline.
Comment: In summary, the available evidence is currently insufficient to determine the role of this variant in disease. Therefore, it has been classified as a Variant of Uncertain Significance. Algorithms developed to predict the effect of missense changes on protein structure and function output the following: SIFT: "Tolerated"; PolyPhen-2: "Benign"; Align-GVGD: "Class C0". The glycine amino acid residue is found in multiple mammalian species, which suggests that this missense change does not adversely affect protein function. This variant has not been reported in the literature in individuals affected with ESCO2-related conditions. This variant is not present in population databases (gnomAD no frequency). This sequence change replaces valine, which is neutral and non-polar, with glycine, which is neutral and non-polar, at codon 334 of the ESCO2 protein (p.Val334Gly).